The following is an entry in ClinVar:

ClinVar aggregate classification (germline): Benign. Review status: criteria provided, multiple submitters, no conflicts (2 of 4 stars). 4 submissions from 4 submitters: Benign (3). 1 of the submissions does not count toward it. Last evaluated 2026-02-04.

Conditions:
GALNT2-related disorder. Also called: GALNT2-related condition.

Allele frequency attached by ClinVar (database versions not stated): ExAC 0.14005; 1000 Genomes Project 30x 0.10993; gnomAD exomes 0.13732; 1000 Genomes Project 0.11002; ESP Exome Variant Server 0.13901.
gnomAD v4.1: 242,807 of 1,613,502 alleles (15%); highest among the groups gnomAD compares: Non-Finnish European, 16%; 18,890 homozygotes.

Submissions (4):

Labcorp Genetics (formerly Invitae), Labcorp
Classification: Benign. Last evaluated: 2026-02-04. Review status: criteria provided, single submitter. Criteria: Invitae Variant Classification Sherloc (09022015). Collection method: clinical testing. Allele origin: germline.

Mayo Clinic Laboratories, Mayo Clinic
Classification: Benign. Last evaluated: 2021-02-24. Review status: criteria provided, single submitter. Criteria: ACMG Guidelines, 2015. Collection method: clinical testing. Allele origin: germline. Observed: 5 variant alleles.

Breakthrough Genomics
Classification: Benign. Review status: criteria provided, single submitter. Criteria: ACMG Guidelines, 2015. Collection method: not provided. Allele origin: germline. Inheritance: Autosomal recessive inheritance. Affected: yes.

PreventionGenetics, part of Exact Sciences
Classification: Benign for GALNT2-related condition. Last evaluated: 2019-10-28. Review status: no assertion criteria provided. Collection method: clinical testing. Allele origin: germline. Not counted in ClinVar's aggregate classification.
Comment: This variant is classified as benign based on ACMG/AMP sequence variant interpretation guidelines (Richards et al. 2015 PMID: 25741868, with internal and published modifications).

NM_004481.5(GALNT2):c.858G>A (p.Thr286=)

Gene: GALNT2 (polypeptide N-acetylgalactosaminyltransferase 2; plus strand). Cytogenetic location: 1q42.13.
Variant type: single nucleotide variant.
Coding change: c.858G>A on transcript NM_004481.5 (MANE Select); coding-DNA position 858, G replaced by A.
Protein change: p.Thr286=; no amino-acid change (threonine 286 retained).
Molecular consequence: synonymous variant.
Genome position (GRCh38, 1-based): chr1:230,249,224, G>A. VCF-style: chr1-230249224-G-A. GRCh37 (hg19) VCF-style: chr1-230384970-G-A.
Other names: p.Thr286=; c.858G>A (NM_004481.4); c.744G>A, p.Thr248= (NM_001291866.2).
Identifiers: ClinVar variation 1628908 (VCV001628908.12), dbSNP rs1923950, ClinGen allele CA1446314.